The following is an entry in ClinVar:

ClinVar aggregate classification (germline): Pathogenic (1 of 4 stars; one submission).

Conditions:
Neurodegeneration with brain iron accumulation 5 (NBIA5). Also called: Beta-propeller protein-associated neurodegeneration; STATIC ENCEPHALOPATHY OF CHILDHOOD WITH NEURODEGENERATION IN ADULTHOOD. Identifiers: Orphanet 329284, MedGen C3550973, MONDO:0010476, OMIM 300894.

Submission:

Labcorp Genetics (formerly Invitae), Labcorp
Classification: Pathogenic for Neurodegeneration with brain iron accumulation 5. Last evaluated: 2020-10-02. Review status: criteria provided, single submitter. Criteria: Invitae Variant Classification Sherloc (09022015). Collection method: clinical testing. Allele origin: germline.
Comment: This variant has been observed in individual(s) with clinical features of WDR45-related conditions (Invitae). In at least one individual the variant was observed to be de novo. This variant disrupts the C-terminus of the WDR45 protein. Other variant(s) that disrupt this region (p.Tyr352*) have been observed in individuals with WDR45-related conditions (PMID: 30713893). This suggests that this may be a clinically significant region of the protein. For these reasons, this variant has been classified as Pathogenic. This variant is not present in population databases (ExAC no frequency). This sequence change results in a premature translational stop signal in the WDR45 gene (p.Asn345Glnfs*10). While this is not anticipated to result in nonsense mediated decay, it is expected to disrupt the last 17 amino acid(s) of the WDR45 protein.

Literature cited by the submitters: PubMed 30713893.

NM_001029896.2(WDR45):c.1029dup (p.Asn344fs)

Gene: WDR45 (WD repeat domain 45; minus strand). Cytogenetic location: Xp11.23.
Variant type: Duplication.
Coding change: c.1029dup on transcript NM_001029896.2 (MANE Select); coding-DNA position 1029, one base duplicated (C; older notation c.1029dupC).
Protein change: p.Asn344fs; shifts the reading frame from asparagine 344.
Molecular consequence: frameshift variant.
Genome position (GRCh38, 1-based): chrX:49,074,857, G duplicated on the plus strand (C on the coding strand, the reverse complement: WDR45 is on the minus strand). VCF-style (leftmost placement, unchanged base first): chrX-49074856-T-TG. GRCh37 (hg19) VCF-style: chrX-48932515-T-TG.
Other names: c.1032dup, p.Asn345fs (NM_007075.4); short protein forms N345fs, N344fs.
Identifiers: ClinVar variation 944567 (VCV000944567.9), dbSNP rs2065026848, ClinGen allele CA1139667514.